The following is an entry in ClinVar:

NM_000492.4(CFTR):c.*2G>A

Genes: CFTR (CF transmembrane conductance regulator; plus strand), LOC111674477 (CFTR intron 23 enhancer; plus strand). Cytogenetic location: 7q31.2.
Variant type: single nucleotide variant.
Coding change: c.*2G>A on transcript NM_000492.4 (MANE Select); 2 bases downstream of the stop codon, G replaced by A.
Molecular consequence: 3 prime UTR variant.
Genome position (GRCh38, 1-based): chr7:117,667,110, G>A. VCF-style: chr7-117667110-G-A. GRCh37 (hg19) VCF-style: chr7-117307164-G-A.
Identifiers: ClinVar variation 53155 (VCV000053155.38), dbSNP rs150914702, ClinGen allele CA242756.

ClinVar aggregate classification (germline): Conflicting classifications of pathogenicity. Review status: criteria provided, conflicting classifications (1 of 4 stars). 10 submissions from 10 submitters: Uncertain significance (7); Likely benign (3). Last evaluated 2026-05-21.

Conditions:
CFTR-related disorder (CFTR-RD). Also called: CFTR-related condition; CFTR-related disorders. Identifiers: MedGen C5924204, MONDO:7770004.
Cystic fibrosis (CF). Also called: MUCOVISCIDOSIS. Identifiers: Orphanet 586, MedGen C0010674, MONDO:0009061, OMIM 219700. Disease mechanism: loss of function.

Allele frequency attached by ClinVar (database versions not stated): gnomAD exomes 0.00007 and 0.00014; ExAC 0.00014; ESP Exome Variant Server 0.00038; 1000 Genomes Project 0.00040; gnomAD 0.00054 and 0.00056; TOPMed 0.00054; 1000 Genomes Project 30x 0.00062.
gnomAD v4.1: 182 of 1,613,544 alleles (0.011%); highest among the groups gnomAD compares: African/African-American, 0.21%; no homozygotes.

Submissions (10):

PreventionGenetics, part of Exact Sciences
Classification: Uncertain significance for CFTR-related condition. Last evaluated: 2026-05-21. Review status: criteria provided, single submitter. Criteria: ACMG Guidelines, 2015. Collection method: clinical testing. Allele origin: germline.
Comment: The CFTR c.*2G>A variant is located in the 3' untranslated region. This variant, also referred to as c.4443+2G>A or c.4575+2G>A, has been reported in the heterozygous state in individuals with chronic pancreatitis (Audrézet t et al., 2002. PubMed ID: 11938439; Supplemental Table 4, Steiner et al., 2011. PubMed ID: 21520337; PreventionGenetics, Internal Data). However, no functional or family studies have been reported and multiple authors suggest the variant does not impact protein function (Mutesa et al. 2009. PubMed ID: 19017867; Supplemental information, Solomon et al. 2016. PubMed ID: 27185048; Table 1 App, Mei-Zahav et al. 2023. PubMed ID: 35934641). Additionally, at PreventionGenetics, this variant has been noted in combination with another CFTR variant in two individuals without classic cystic fibrosis findings. This variant is reported in 0.18% of alleles in individuals of African descent in gnomAD, which may be too common to be a primary cause of disease. This variant has conflicting classifications in ClinVar ranging from likely benign to uncertain (Variation ID: 53155). Although we suspect that this variant may be benign, the clinical significance of this variant is classified as uncertain at this time due to insufficient functional and genetic evidence.

Women's Health and Genetics/Laboratory Corporation of America, LabCorp
Classification: Likely benign. Last evaluated: 2025-07-07. Review status: criteria provided, single submitter. Criteria: LabCorp Variant Classification Summary - May 2015. Collection method: clinical testing. Allele origin: germline.
Comment: Variant summary: CFTR c.*2G>A is located in the untranslated mRNA region downstream of the termination codon. The variant allele was found at a frequency of 0.00014 in 251104 control chromosomes, predominantly at a frequency of 0.002 within the African or African-American subpopulation in the gnomAD database. This frequency is not significantly higher than estimated for a pathogenic variant in CFTR causing CFTR-Related Diseases (0.002 vs 0.013), allowing no conclusion about variant significance. c.*2G>A has been reported in the literature in individuals affected with idiopathic chronic pancreatitis, chronic obstructive pulmonary disease and CF-like symptoms (example, Solomon_2016, Steiner_2011, Mutesa_2009, Audrezet_2002). Furthermore, in one of these reports the authors conclude that the variant is "not reported to cause CF" (Solomon_2016). Therefore, these data do not allow any conclusion about variant significance. To our knowledge, no experimental evidence demonstrating an impact on protein function has been reported. The following publications have been ascertained in the context of this evaluation (PMID: 11938439, 19017867, 27185048, 21520337). ClinVar contains an entry for this variant (Variation ID: 53155). Based on the evidence outlined above, the variant was classified as likely benign.

GeneDx
Classification: Uncertain significance. Last evaluated: 2024-08-30. Review status: criteria provided, single submitter. Criteria: GeneDx Variant Classification Process June 2021. Collection method: clinical testing. Allele origin: germline. Affected: yes.
Comment: Nucleotide is not conserved across species and the substitution has no predicted effect on splicing; This variant is associated with the following publications: (PMID: 27185048, 21520337, 11938439, 19017867, 37313453)

Johns Hopkins Genomics, Johns Hopkins University
Classification: Uncertain significance for Cystic fibrosis. Last evaluated: 2023-12-20. Review status: criteria provided, single submitter. Criteria: ACMG Guidelines, 2015. Collection method: clinical testing. Allele origin: germline.

ARUP Laboratories, Molecular Genetics and Genomics, ARUP Laboratories
Classification: Uncertain significance. Last evaluated: 2023-11-27. Review status: criteria provided, single submitter. Criteria: ARUP Molecular Germline Variant Investigation Process 2024. Collection method: clinical testing. Allele origin: germline.
Comment: The CFTR c.*2G>A variant (rs150914702), also known as c.4575+2G>A or 4443+2G>A, is reported in the literature in multiple individuals affected with chronic pancreatitis (Audrezet 2002, Steiner 2011). This variant is reported in ClinVar (Variation ID: 53155), and is found in the African population with an allele frequency of 0.18% (46/24914 alleles) in the Genome Aggregation Database (v2.1.1). This variant occurs in the 3' untranslated region at a nucleotide that is moderately conserved, but the effect on the poly(a) signal is unknown. Due to limited information, the clinical significance of the c.*2G>A variant is uncertain at this time. References: Audrezet MP et al. Determination of the relative contribution of three genes-the cystic fibrosis transmembrane conductance regulator gene, the cationic trypsinogen gene, and the pancreatic secretory trypsin inhibitor gene-to the etiology of idiopathic chronic pancreatitis. Eur J Hum Genet. 2002 Feb;10(2):100-6. PMID: 11938439. Steiner B et al. Common CFTR haplotypes and susceptibility to chronic pancreatitis and congenital bilateral absence of the vas deferens. Hum Mutat. 2011 Aug;32(8):912-20. PMID: 21520337.

Quest Diagnostics Nichols Institute San Juan Capistrano
Classification: Uncertain significance. Last evaluated: 2023-11-21. Review status: criteria provided, single submitter. Criteria: Quest Diagnostics criteria. Collection method: clinical testing. Allele origin: unknown.
Comment: The CFTR c.*2G>A variant has been reported in the published literature in an individual with cystic fibrosis-like symptoms (PMID: 19017867 (2009)), in individuals with chronic pancreatitis (PMID: 11938439 (2002), 21520337 (2011)), and in an individual with chronic bronchitis (PMID: 27185048 (2016)). The frequency of this variant in the general population, 0.0018 (46/24914 chromosomes (Genome Aggregation Database)), is uninformative in the assessment of its pathogenicity. Based on the available information, we are unable to determine the clinical significance of this variant.

Labcorp Genetics (formerly Invitae), Labcorp
Classification: Likely benign for Cystic fibrosis. Last evaluated: 2023-09-08. Review status: criteria provided, single submitter. Criteria: Invitae Variant Classification Sherloc (09022015). Collection method: clinical testing. Allele origin: germline.

Ambry Genetics
Classification: Likely benign for Cystic fibrosis. Last evaluated: 2023-02-19. Review status: criteria provided, single submitter. Criteria: Ambry Variant Classification Scheme 2023. Collection method: clinical testing. Allele origin: germline.

Mayo Clinic Laboratories, Mayo Clinic
Classification: Uncertain significance. Last evaluated: 2020-11-20. Review status: criteria provided, single submitter. Criteria: ACMG Guidelines, 2015. Collection method: clinical testing. Allele origin: germline. Observed: 2 variant alleles.

Eurofins Ntd Llc (ga)
Classification: Uncertain significance. Last evaluated: 2017-04-12. Review status: criteria provided, single submitter. Criteria: EGL Classification Definitions 2015. Collection method: clinical testing. Allele origin: germline. Observed: 2 variant alleles, 2 heterozygotes.

Literature cited by the submitters: PubMed 19017867 (cited by 3 submitters); PubMed 21520337 (cited by Women's Health and Genetics/Laboratory Corporation of America, LabCorp and Quest Diagnostics Nichols Institute San Juan Capistrano); PubMed 11938439 (cited by 3 submitters); PubMed 27185048 (cited by Women's Health and Genetics/Laboratory Corporation of America, LabCorp and Quest Diagnostics Nichols Institute San Juan Capistrano).